The following continues an entry in ClinVar:

NM_001271696.3(ABCB7):c.246+1G>A

Gene: ABCB7. ClinVar aggregate classification (germline): Conflicting classifications of pathogenicity. Uncertain significance (1); Benign (2).

Submissions 68 to 83 of 83:

Dr. Peter K. Rogan Lab, Western University
No classification provided (evidence only). Condition: Gastric cancer. Review status: no classification provided. Collection method: in vitro. Allele origin: not applicable. Functional consequence: retained intron. Not counted in ClinVar's aggregate classification.

Dr. Peter K. Rogan Lab, Western University
No classification provided (evidence only). Condition: Adrenocortical carcinoma, hereditary. Review status: no classification provided. Collection method: in vitro. Allele origin: not applicable. Functional consequence: skipped exon. Not counted in ClinVar's aggregate classification.

Dr. Peter K. Rogan Lab, Western University
No classification provided (evidence only). Condition: Adrenocortical carcinoma, hereditary. Review status: no classification provided. Collection method: in vitro. Allele origin: not applicable. Functional consequence: skipped exon. Not counted in ClinVar's aggregate classification.

Dr. Peter K. Rogan Lab, Western University
No classification provided (evidence only). Condition: Uveal melanoma. Review status: no classification provided. Collection method: in vitro. Allele origin: not applicable. Functional consequence: skipped exon. Not counted in ClinVar's aggregate classification.

Dr. Peter K. Rogan Lab, Western University
No classification provided (evidence only). Condition: Malignant tumor of esophagus. Review status: no classification provided. Collection method: in vitro. Allele origin: not applicable. Functional consequence: skipped exon. Not counted in ClinVar's aggregate classification.

Dr. Peter K. Rogan Lab, Western University
No classification provided (evidence only). Condition: Malignant tumor of esophagus. Review status: no classification provided. Collection method: in vitro. Allele origin: not applicable. Functional consequence: retained intron. Not counted in ClinVar's aggregate classification.

Dr. Peter K. Rogan Lab, Western University
No classification provided (evidence only). Condition: Chronic lymphocytic leukemia/small lymphocytic lymphoma. Review status: no classification provided. Collection method: in vitro. Allele origin: not applicable. Functional consequence: skipped exon. Not counted in ClinVar's aggregate classification.

Dr. Peter K. Rogan Lab, Western University
No classification provided (evidence only). Condition: Chronic lymphocytic leukemia/small lymphocytic lymphoma. Review status: no classification provided. Collection method: in vitro. Allele origin: not applicable. Functional consequence: skipped exon. Not counted in ClinVar's aggregate classification.

Dr. Peter K. Rogan Lab, Western University
No classification provided (evidence only). Condition: Chronic lymphocytic leukemia/small lymphocytic lymphoma. Review status: no classification provided. Collection method: in vitro. Allele origin: not applicable. Functional consequence: skipped exon. Not counted in ClinVar's aggregate classification.

Dr. Peter K. Rogan Lab, Western University
No classification provided (evidence only). Condition: Chronic lymphocytic leukemia/small lymphocytic lymphoma. Review status: no classification provided. Collection method: in vitro. Allele origin: not applicable. Functional consequence: skipped exon. Not counted in ClinVar's aggregate classification.

Dr. Peter K. Rogan Lab, Western University
No classification provided (evidence only). Condition: Chronic lymphocytic leukemia/small lymphocytic lymphoma. Review status: no classification provided. Collection method: in vitro. Allele origin: not applicable. Functional consequence: skipped exon. Not counted in ClinVar's aggregate classification.

Dr. Peter K. Rogan Lab, Western University
No classification provided (evidence only). Condition: Chronic lymphocytic leukemia/small lymphocytic lymphoma. Review status: no classification provided. Collection method: in vitro. Allele origin: not applicable. Functional consequence: skipped exon. Not counted in ClinVar's aggregate classification.

Dr. Peter K. Rogan Lab, Western University
No classification provided (evidence only). Condition: Lymphoma. Review status: no classification provided. Collection method: in vitro. Allele origin: not applicable. Functional consequence: skipped exon. Not counted in ClinVar's aggregate classification.

Dr. Peter K. Rogan Lab, Western University
No classification provided (evidence only). Condition: Lymphoma. Review status: no classification provided. Collection method: in vitro. Allele origin: not applicable. Functional consequence: skipped exon. Not counted in ClinVar's aggregate classification.

Dr. Peter K. Rogan Lab, Western University
No classification provided (evidence only). Condition: Ovarian cancer. Review status: no classification provided. Collection method: in vitro. Allele origin: not applicable. Functional consequence: skipped exon. Not counted in ClinVar's aggregate classification.

Dr. Peter K. Rogan Lab, Western University
No classification provided (evidence only). Condition: Ovarian cancer. Review status: no classification provided. Collection method: in vitro. Allele origin: not applicable. Functional consequence: skipped exon, retained intron. Not counted in ClinVar's aggregate classification.